The following is an entry in ClinVar:

NM_001374353.1(GLI2):c.1718del (p.Gly573fs)

Gene: GLI2 (GLI family zinc finger 2; plus strand). Cytogenetic location: 2q14.2.
Variant type: Deletion.
Coding change: c.1718del on transcript NM_001374353.1 (MANE Select); coding-DNA position 1718, one base deleted (G; older notation c.1718delG).
Protein change: p.Gly573fs; shifts the reading frame from glycine 573.
Molecular consequence: frameshift variant.
Genome position (GRCh38, 1-based): chr2:120,984,556, G deleted; the last of 2 consecutive G bases (chr2:120,984,555-120,984,556); deleting either gives the same sequence. VCF-style (leftmost placement, unchanged base first): chr2-120984554-CG-C. GRCh37 (hg19) VCF-style: chr2-121742130-CG-C.
Other names: c.1769del, p.Gly590fs (NM_001371271.1, NM_005270.5); c.1343del, p.Gly448fs (NM_001374354.1); short protein forms G590fs, G573fs, G448fs.
Identifiers: ClinVar variation 2265770 (VCV002265770.2), dbSNP rs2467749474, ClinGen allele CA2580063766.

ClinVar aggregate classification (germline): Pathogenic (1 of 4 stars; one submission).

Conditions:
Inborn genetic diseases. Identifiers: MedGen C0950123, MeSH D030342.

Submission:

Ambry Genetics
Classification: Pathogenic for Inborn genetic diseases. Last evaluated: 2022-01-07. Review status: criteria provided, single submitter. Criteria: Ambry Variant Classification Scheme 2023. Collection method: clinical testing. Allele origin: germline.
Comment: The c.1769delG (p.G590Afs*105) alteration, located in exon 11 (coding exon 11) of the GLI2 gene, consists of a deletion of one nucleotide at position 1769, causing a translational frameshift with a predicted alternate stop codon after 105 amino acids. This alteration is expected to result in loss of function by premature protein truncation or nonsense-mediated mRNA decay. This variant was not reported in population-based cohorts in the Genome Aggregation Database (gnomAD). Based on the available evidence, this alteration is classified as pathogenic.